The following is an entry in ClinVar:

ClinVar aggregate classification (germline): Uncertain significance (1 of 4 stars; one submission).

Submission:

Labcorp Genetics (formerly Invitae), Labcorp
Classification: Uncertain significance. Last evaluated: 2024-04-07. Review status: criteria provided, single submitter. Criteria: Invitae Variant Classification Sherloc (09022015). Collection method: clinical testing. Allele origin: germline.
Comment: This sequence change replaces aspartic acid, which is acidic and polar, with glutamic acid, which is acidic and polar, at codon 61 of the CD46 protein (p.Asp61Glu). This variant is not present in population databases (gnomAD no frequency). This variant has not been reported in the literature in individuals affected with CD46-related conditions. ClinVar contains an entry for this variant (Variation ID: 1940455). Advanced modeling of protein sequence and biophysical properties (such as structural, functional, and spatial information, amino acid conservation, physicochemical variation, residue mobility, and thermodynamic stability) performed at Invitae indicates that this missense variant is not expected to disrupt CD46 protein function with a negative predictive value of 80%. In summary, the available evidence is currently insufficient to determine the role of this variant in disease. Therefore, it has been classified as a Variant of Uncertain Significance.

NM_172351.3(CD46):c.183T>A (p.Asp61Glu)

Gene: CD46 (CD46 molecule; plus strand). Cytogenetic location: 1q32.2.
Variant type: single nucleotide variant.
Coding change: c.183T>A on transcript NM_172351.3 (MANE Select); coding-DNA position 183, T replaced by A.
Protein change: p.Asp61Glu; replaces aspartic acid 61 with glutamic acid.
Molecular consequence: missense variant.
Genome position (GRCh38, 1-based): chr1:207,757,099, T>A. VCF-style: chr1-207757099-T-A. GRCh37 (hg19) VCF-style: chr1-207930444-T-A.
Other names: c.183T>A, p.Asp61Glu (NM_002389.4, NM_153826.4, NM_172350.3 and 8 more transcripts); short protein forms D61E.
Identifiers: ClinVar variation 1940455 (VCV001940455.5), dbSNP rs2526400470, ClinGen allele CA344548080.